The following is an entry in ClinVar:

ClinVar aggregate classification (germline): Uncertain significance (1 of 4 stars; one submission).

Conditions:
Developmental and epileptic encephalopathy, 53. Also called: Epileptic encephalopathy, early infantile, 53. Identifiers: MedGen C4479313, MONDO:0033362, OMIM 617389.
Early-onset Parkinson disease 20. Also called: PARKINSON DISEASE 20, AUTOSOMAL RECESSIVE EARLY-ONSET. Identifiers: Orphanet 391411, MedGen C3809824, MONDO:0014233, OMIM 615530.

Allele frequency attached by ClinVar (database versions not stated): gnomAD exomes below 0.00001.
gnomAD v4.1: 2 of 1,614,158 alleles (0.00012%); highest among the groups gnomAD compares: African/African-American, 0.0027%; no homozygotes.

Submission:

Labcorp Genetics (formerly Invitae), Labcorp
Classification: Uncertain significance for Developmental and epileptic encephalopathy, 53; Early-onset Parkinson disease 20. Last evaluated: 2024-02-16. Review status: criteria provided, single submitter. Criteria: Invitae Variant Classification Sherloc (09022015). Collection method: clinical testing. Allele origin: germline.
Comment: This sequence change replaces phenylalanine, which is neutral and non-polar, with leucine, which is neutral and non-polar, at codon 269 of the SYNJ1 protein (p.Phe269Leu). This variant is present in population databases (no rsID available, gnomAD 0.007%). This variant has not been reported in the literature in individuals affected with SYNJ1-related conditions. ClinVar contains an entry for this variant (Variation ID: 1376874). Advanced modeling of protein sequence and biophysical properties (such as structural, functional, and spatial information, amino acid conservation, physicochemical variation, residue mobility, and thermodynamic stability) performed at Invitae indicates that this missense variant is expected to disrupt SYNJ1 protein function with a positive predictive value of 80%. In summary, the available evidence is currently insufficient to determine the role of this variant in disease. Therefore, it has been classified as a Variant of Uncertain Significance.

NM_203446.3(SYNJ1):c.690T>G (p.Phe230Leu)

Gene: SYNJ1 (synaptojanin 1; minus strand). Cytogenetic location: 21q22.11.
Variant type: single nucleotide variant.
Coding change: c.690T>G on transcript NM_203446.3 (MANE Select); coding-DNA position 690, T replaced by G.
Protein change: p.Phe230Leu; replaces phenylalanine 230 with leucine.
Molecular consequence: missense variant.
Genome position (GRCh38, 1-based): chr21:32,695,072, A>C on the plus strand (T>G on the coding strand, the complement: SYNJ1 is on the minus strand). VCF-style: chr21-32695072-A-C. GRCh37 (hg19) VCF-style: chr21-34067382-A-C.
Other names: c.690T>G, p.Phe230Leu (NM_001160302.2, NM_001160306.2); c.807T>G, p.Phe269Leu (NM_003895.4); short protein forms F269L, F230L.
Identifiers: ClinVar variation 1376874 (VCV001376874.6), dbSNP rs1382349474, ClinGen allele CA410098040.
Genomic context (GRCh38, chr21:32,695,072, plus strand): 5'-TCTCCTATAATAAATTAATTAAGTAATATAAAACACTATATATACCTGTTCTGTTTCTAC[A>C]AAATTGGCAACATGACCATCATCATTTGTTCCCCGGACATTAAACCTGGTCCCAGCTCGT-3'
Protein context (NP_982271.3, residues 220-240): GTNDDGHVAN[Phe230Leu]VETEQVVYLD